The following is an entry in ClinVar:

NM_000742.4(CHRNA2):c.609C>T (p.Ser203=)

Gene: CHRNA2 (cholinergic receptor nicotinic alpha 2 subunit; minus strand). Cytogenetic location: 8p21.2.
Variant type: single nucleotide variant.
Coding change: c.609C>T on transcript NM_000742.4 (MANE Select); coding-DNA position 609, C replaced by T.
Protein change: p.Ser203=; no amino-acid change (serine 203 retained).
Molecular consequence: synonymous variant.
Genome position (GRCh38, 1-based): chr8:27,463,834, G>A on the plus strand (C>T on the coding strand, the complement: CHRNA2 is on the minus strand). VCF-style: chr8-27463834-G-A. GRCh37 (hg19) VCF-style: chr8-27321351-G-A.
Other names: c.564C>T, p.Ser188= (NM_001282455.2); c.132C>T, p.Ser44= (NM_001347705.2, NM_001347706.2); c.15C>T, p.Ser5= (NM_001347707.2, NM_001347708.2).
Identifiers: ClinVar variation 388535 (VCV000388535.13), dbSNP rs761237311, ClinGen allele CA4689621.

ClinVar aggregate classification (germline): Likely benign. Review status: criteria provided, multiple submitters, no conflicts (2 of 4 stars). 4 submissions from 4 submitters: Likely benign (4). Last evaluated 2024-09-29.

Conditions:
Inborn genetic diseases. Identifiers: MedGen C0950123, MeSH D030342.
Familial sleep-related hypermotor epilepsy. Also called: Autosomal Dominant Sleep-Related Hypermotor (Hyperkinetic) Epilepsy. Identifiers: Orphanet 98784, MedGen C3696898, MONDO:0000030.

Allele frequency attached by ClinVar (database versions not stated): TOPMed below 0.00001; ExAC 0.00001; gnomAD 0.00001; gnomAD exomes 0.00001.
gnomAD v4.1: 15 of 1,614,046 alleles (0.00093%); highest among the groups gnomAD compares: Admixed American, 0.0017%; no homozygotes.

Submissions (4):

Labcorp Genetics (formerly Invitae), Labcorp
Classification: Likely benign. Last evaluated: 2024-09-29. Review status: criteria provided, single submitter. Criteria: Invitae Variant Classification Sherloc (09022015). Collection method: clinical testing. Allele origin: germline.

Blueprint Genetics
Classification: Likely benign. Last evaluated: 2024-04-15. Review status: criteria provided, single submitter. Criteria: ACMG Guidelines, 2015. Collection method: clinical testing. Allele origin: germline.

Ambry Genetics
Classification: Likely benign for Inborn genetic diseases. Last evaluated: 2018-09-29. Review status: criteria provided, single submitter. Criteria: Ambry Variant Classification Scheme 2023. Collection method: clinical testing. Allele origin: germline.

GeneDx
Classification: Likely benign. Last evaluated: 2016-08-15. Review status: criteria provided, single submitter. Criteria: GeneDx Variant Classification (06012015). Collection method: clinical testing. Allele origin: germline. Affected: yes.
Comment: This variant is considered likely benign or benign based on one or more of the following criteria: it is a conservative change, it occurs at a poorly conserved position in the protein, it is predicted to be benign by multiple in silico algorithms, and/or has population frequency not consistent with disease.